The following is an entry in ClinVar:

NM_014915.3(ANKRD26):c.3237G>T (p.Glu1079Asp)

Gene: ANKRD26 (ankyrin repeat domain containing 26; minus strand). Cytogenetic location: 10p12.1.
Variant type: single nucleotide variant.
Coding change: c.3237G>T on transcript NM_014915.3 (MANE Select); coding-DNA position 3237, G replaced by T.
Protein change: p.Glu1079Asp; replaces glutamic acid 1079 with aspartic acid.
Molecular consequence: missense variant.
Genome position (GRCh38, 1-based): chr10:27,035,213, C>A on the plus strand (G>T on the coding strand, the complement: ANKRD26 is on the minus strand). VCF-style: chr10-27035213-C-A. GRCh37 (hg19) VCF-style: chr10-27324142-C-A.
Other names: c.3234G>T, p.Glu1078Asp (NM_001256053.2); short protein forms E1078D, E1079D.
Identifiers: ClinVar variation 3870717 (VCV003870717.1).
Genomic context (GRCh38, chr10:27,035,213, plus strand): 5'-CTTTTGTACCCGTTCTAAACCCAAAGTCTTTTCTCTGAGGGCATCTCTCGTGTGATGGAA[C>A]TCAATTTCTAGGCTATTGAGTTTACTTTCAGTTTTAAATAGTTGTTGAGAAAGAATCTCA-3'
Protein context (NP_055730.2, residues 1069-1089): TESKLNSLEI[Glu1079Asp]FHHTRDALRE

ClinVar aggregate classification (germline): Uncertain significance (1 of 4 stars; one submission).

Conditions:
Inborn genetic diseases. Identifiers: MedGen C0950123, MeSH D030342.

gnomAD v4.1: 2 of 1,614,036 alleles (0.00012%); highest among the groups gnomAD compares: Non-Finnish European, 0.00017%; no homozygotes.

Submission:

Ambry Genetics
Classification: Uncertain significance for Inborn genetic diseases. Last evaluated: 2025-01-23. Review status: criteria provided, single submitter. Criteria: Ambry Variant Classification Scheme 2023. Collection method: clinical testing. Allele origin: germline.
Comment: The p.E1079D variant (also known as c.3237G>T), located in coding exon 24 of the ANKRD26 gene, results from a G to T substitution at nucleotide position 3237. The glutamic acid at codon 1079 is replaced by aspartic acid, an amino acid with highly similar properties. This amino acid position is conserved. In addition, this alteration is predicted to be tolerated by in silico analysis. Based on the available evidence, the clinical significance of this variant remains unclear.